The following is an entry in ClinVar:

NM_021098.3(CACNA1H):c.6953dup (p.Glu2319fs)

Gene: CACNA1H (calcium voltage-gated channel subunit alpha1 H; plus strand). Cytogenetic location: 16p13.3.
Variant type: Duplication.
Coding change: c.6953dup on transcript NM_021098.3 (MANE Select); coding-DNA position 6953, one base duplicated (C; older notation c.6953dupC).
Protein change: p.Glu2319fs; shifts the reading frame from glutamic acid 2319.
Molecular consequence: frameshift variant.
Genome position (GRCh38, 1-based): chr16:1,220,885, C duplicated; the last of 6 consecutive C bases (chr16:1,220,880-1,220,885); duplicating any one gives the same sequence. VCF-style (leftmost placement, unchanged base first): chr16-1220879-A-AC. GRCh37 (hg19) VCF-style: chr16-1270879-A-AC.
Other names: c.6935dup, p.Glu2313fs (NM_001005407.2); short protein forms E2313fs, E2319fs.
Identifiers: ClinVar variation 1407000 (VCV001407000.7), dbSNP rs750261505, ClinGen allele CA7802560.

ClinVar aggregate classification (germline): Uncertain significance (1 of 4 stars; one submission).

Conditions:
Hyperaldosteronism, familial, type IV (HALD4). Also called: FH IV; ALDOSTERONISM, PRIMARY, AND HYPERTENSION. Identifiers: Orphanet 642671, MedGen C4310756, MONDO:0014875, OMIM 617027.
Idiopathic generalized epilepsy. Also called: Generalised epilepsy; EIG. Identifiers: MedGen C0270850, MONDO:0005579, OMIM 600669.

Submission:

Labcorp Genetics (formerly Invitae), Labcorp
Classification: Uncertain significance for Idiopathic generalized epilepsy; Hyperaldosteronism, familial, type IV. Last evaluated: 2025-07-03. Review status: criteria provided, single submitter. Criteria: Invitae Variant Classification Sherloc (09022015). Collection method: clinical testing. Allele origin: germline.
Comment: This sequence change creates a premature translational stop signal (p.Glu2319Argfs*33) in the CACNA1H gene. While this is not anticipated to result in nonsense mediated decay, it is expected to disrupt the last 35 amino acid(s) of the CACNA1H protein. This variant is present in population databases (rs750261505, gnomAD 0.006%). This variant has not been reported in the literature in individuals affected with CACNA1H-related conditions. ClinVar contains an entry for this variant (Variation ID: 1407000). Experimental studies and prediction algorithms are not available or were not evaluated, and the functional significance of this variant is currently unknown. In summary, the available evidence is currently insufficient to determine the role of this variant in disease. Therefore, it has been classified as a Variant of Uncertain Significance.